The following is an entry in ClinVar:

NM_000638.4(VTN):c.600G>C (p.Trp200Cys)

Gene: VTN (vitronectin; minus strand). Cytogenetic location: 17q11.2.
Variant type: single nucleotide variant.
Coding change: c.600G>C on transcript NM_000638.4 (MANE Select); coding-DNA position 600, G replaced by C.
Protein change: p.Trp200Cys; replaces tryptophan 200 with cysteine.
Molecular consequence: missense variant.
Genome position (GRCh38, 1-based): chr17:28,369,358, C>G on the plus strand (G>C on the coding strand, the complement: VTN is on the minus strand). VCF-style: chr17-28369358-C-G. GRCh37 (hg19) VCF-style: chr17-26696379-C-G.
Other names: short protein forms W200C.
Identifiers: ClinVar variation 2383389 (VCV002383389.3), dbSNP rs371982238, ClinGen allele CA8457613.

ClinVar aggregate classification (germline): Uncertain significance. Review status: criteria provided, multiple submitters, no conflicts (2 of 4 stars). 2 submissions from 2 submitters: Uncertain significance (2). Last evaluated 2025-09-14.

Conditions:
VTN-related disorder. Also called: VTN-related condition.

Allele frequency attached by ClinVar (database versions not stated): gnomAD exomes 0.00002; gnomAD 0.00003; TOPMed 0.00003; ESP Exome Variant Server 0.00015; ExAC 0.00001.
gnomAD v4.1: 33 of 1,607,446 alleles (0.0021%); highest among the groups gnomAD compares: Middle Eastern, 0.016%; no homozygotes.

Submissions (2):

PreventionGenetics, part of Exact Sciences
Classification: Uncertain significance for VTN-related condition. Last evaluated: 2025-09-14. Review status: criteria provided, single submitter. Criteria: ACMG Guidelines, 2015. Collection method: clinical testing. Allele origin: germline.
Comment: The VTN c.600G>C variant is predicted to result in the amino acid substitution p.Trp200Cys. To our knowledge, this variant has not been reported in the literature. This variant is reported in 0.0035% of alleles in individuals of European (Non-Finnish) descent in gnomAD. At this time, the clinical significance of this variant is uncertain due to the absence of conclusive functional and genetic evidence.

Ambry Genetics
Classification: Uncertain significance. Last evaluated: 2021-09-27. Review status: criteria provided, single submitter. Criteria: Ambry Variant Classification Scheme 2023. Collection method: clinical testing. Allele origin: germline.